The following is an entry in ClinVar:

ClinVar aggregate classification (germline): Benign/Likely benign. Review status: criteria provided, multiple submitters, no conflicts (2 of 4 stars). 2 submissions from 2 submitters: Benign (1); Likely benign (1). Last evaluated 2026-08-01.

Allele frequency attached by ClinVar (database versions not stated): 1000 Genomes Project 0.00040; 1000 Genomes Project 30x 0.00047; TOPMed 0.00127; gnomAD 0.00137.
gnomAD v4.1: 209 of 152,228 alleles (0.14%); highest among the groups gnomAD compares: Non-Finnish European, 0.25%; 1 homozygote.

Submissions (2):

CeGaT Center for Human Genetics Tuebingen
Classification: Benign. Last evaluated: 2026-08-01. Review status: criteria provided, single submitter. Criteria: CeGaT Center For Human Genetics Tuebingen Variant Classification Criteria Version 2. Collection method: clinical testing. Allele origin: germline. Affected: yes. Observed: 6 variant alleles.
Comment: PHACTR1: BS1, BS2

Blueprint Genetics
Classification: Likely benign. Last evaluated: 2024-11-26. Review status: criteria provided, single submitter. Criteria: ACMG Guidelines, 2015. Collection method: clinical testing. Allele origin: germline.

NM_030948.6(PHACTR1):c.251-39335G>T

Gene: PHACTR1 (phosphatase and actin regulator 1; plus strand). Cytogenetic location: 6p24.1.
Variant type: single nucleotide variant.
Coding change: c.251-39335G>T on transcript NM_030948.6 (MANE Select); 39335 bases into the intron before coding-DNA position 251, G replaced by T.
Molecular consequence: intron variant. On other transcripts: missense variant (1).
Genome position (GRCh38, 1-based): chr6:13,014,030, G>T. VCF-style: chr6-13014030-G-T. GRCh37 (hg19) VCF-style: chr6-13014262-G-T.
Other names: c.-26-39335G>T (NM_001374583.2, NM_001322313.2, NM_001322312.3 and 1 more transcripts); c.144G>T, p.Glu48Asp (NM_001322314.4); c.251-39335G>T (NM_001242648.4, NM_001374581.2, NM_001322308.3 and 3 more transcripts); short protein forms E48D.
Identifiers: ClinVar variation 2656235 (VCV002656235.25), dbSNP rs145145067, ClinGen allele CA134878142.
Genomic context (GRCh38, chr6:13,014,030, plus strand): 5'-GAGCGCCGAGAAACCCAAAAAGAAAGCTTTTTATTTGCTGAGGATGAAGCCCCTGAAGGA[G>T]CCCGCCCCCAACAACAACAACAACGTGTCCTTTGTGATCCACTGTCAACTAGGCAAGGAG-3'